The following is an entry in ClinVar:

ClinVar aggregate classification (germline): Uncertain significance. Review status: criteria provided, multiple submitters, no conflicts (2 of 4 stars). 4 submissions from 4 submitters: Uncertain significance (4). Last evaluated 2025-12-16.

Conditions:
CNGB1-related disorder. Also called: CNGB1-related condition.
Inborn genetic diseases. Identifiers: MedGen C0950123, MeSH D030342.

Allele frequency attached by ClinVar (database versions not stated): TOPMed 0.00007; ESP Exome Variant Server 0.00008.
gnomAD v4.1: 271 of 1,613,840 alleles (0.017%); highest among the groups gnomAD compares: Non-Finnish European, 0.022%; 2 homozygotes.

Submissions (4):

Ambry Genetics
Classification: Uncertain significance for Inborn genetic diseases. Last evaluated: 2025-12-16. Review status: criteria provided, single submitter. Criteria: Ambry Variant Classification Scheme 2023. Collection method: clinical testing. Allele origin: germline.

PreventionGenetics, part of Exact Sciences
Classification: Uncertain significance for CNGB1-related condition. Last evaluated: 2025-08-29. Review status: criteria provided, single submitter. Criteria: ACMG Guidelines, 2015. Collection method: clinical testing. Allele origin: germline.
Comment: The CNGB1 c.2333G>T variant is predicted to result in the amino acid substitution p.Arg778Leu. To our knowledge, this variant has not been reported in the literature. This variant is reported in 0.016% of alleles in individuals of European (Non-Finnish) descent in gnomAD. At this time, the clinical significance of this variant is uncertain due to the absence of conclusive functional and genetic evidence.

Blueprint Genetics
Classification: Uncertain significance. Last evaluated: 2024-10-31. Review status: criteria provided, single submitter. Criteria: ACMG Guidelines, 2015. Collection method: clinical testing. Allele origin: germline.

Labcorp Genetics (formerly Invitae), Labcorp
Classification: Uncertain significance. Last evaluated: 2022-09-13. Review status: criteria provided, single submitter. Criteria: Invitae Variant Classification Sherloc (09022015). Collection method: clinical testing. Allele origin: germline.
Comment: This sequence change replaces arginine, which is basic and polar, with leucine, which is neutral and non-polar, at codon 778 of the CNGB1 protein (p.Arg778Leu). This variant is present in population databases (rs374491029, gnomAD 0.02%). This variant has not been reported in the literature in individuals affected with CNGB1-related conditions. ClinVar contains an entry for this variant (Variation ID: 1044633). Advanced modeling of protein sequence and biophysical properties (such as structural, functional, and spatial information, amino acid conservation, physicochemical variation, residue mobility, and thermodynamic stability) performed at Invitae indicates that this missense variant is not expected to disrupt CNGB1 protein function. In summary, the available evidence is currently insufficient to determine the role of this variant in disease. Therefore, it has been classified as a Variant of Uncertain Significance.

NM_001297.5(CNGB1):c.2333G>T (p.Arg778Leu)

Gene: CNGB1 (cyclic nucleotide gated channel subunit beta 1; minus strand). Cytogenetic location: 16q21.
Variant type: single nucleotide variant.
Coding change: c.2333G>T on transcript NM_001297.5 (MANE Select); coding-DNA position 2333, G replaced by T.
Protein change: p.Arg778Leu; replaces arginine 778 with leucine.
Molecular consequence: missense variant.
Genome position (GRCh38, 1-based): chr16:57,912,966, C>A on the plus strand (G>T on the coding strand, the complement: CNGB1 is on the minus strand). VCF-style: chr16-57912966-C-A. GRCh37 (hg19) VCF-style: chr16-57946870-C-A.
Other names: c.2315G>T, p.Arg772Leu (NM_001286130.2); c.2333G>T (NM_001297.4); short protein forms R778L, R772L.
Identifiers: ClinVar variation 1044633 (VCV001044633.7), dbSNP rs374491029, ClinGen allele CA8083054.